The following is an entry in ClinVar:

ClinVar aggregate classification (germline): Uncertain significance (1 of 4 stars; one submission).

Allele frequency attached by ClinVar (database versions not stated): gnomAD exomes below 0.00001; gnomAD 0.00001.

Submission:

Labcorp Genetics (formerly Invitae), Labcorp
Classification: Uncertain significance. Last evaluated: 2023-02-22. Review status: criteria provided, single submitter. Criteria: Invitae Variant Classification Sherloc (09022015). Collection method: clinical testing. Allele origin: germline.
Comment: An algorithm developed to predict the effect of missense changes on protein structure and function (PolyPhen-2) suggests that this variant is likely to be disruptive. This variant has not been reported in the literature in individuals affected with TNFRSF9-related conditions. This variant is not present in population databases (gnomAD no frequency). This sequence change replaces arginine, which is basic and polar, with cysteine, which is neutral and slightly polar, at codon 130 of the TNFRSF9 protein (p.Arg130Cys). In summary, the available evidence is currently insufficient to determine the role of this variant in disease. Therefore, it has been classified as a Variant of Uncertain Significance.

NM_001561.6(TNFRSF9):c.388C>T (p.Arg130Cys)

Gene: TNFRSF9 (TNF receptor superfamily member 9; minus strand). Cytogenetic location: 1p36.23.
Variant type: single nucleotide variant.
Coding change: c.388C>T on transcript NM_001561.6 (MANE Select); coding-DNA position 388, C replaced by T.
Protein change: p.Arg130Cys; replaces arginine 130 with cysteine.
Molecular consequence: missense variant.
Genome position (GRCh38, 1-based): chr1:7,937,715, G>A on the plus strand (C>T on the coding strand, the complement: TNFRSF9 is on the minus strand). VCF-style: chr1-7937715-G-A. GRCh37 (hg19) VCF-style: chr1-7997775-G-A.
Other names: short protein forms R130C.
Identifiers: ClinVar variation 2985593 (VCV002985593.3), dbSNP rs1639841108, ClinGen allele CA338159221.